The following is an entry in ClinVar:

NM_145290.4(ADGRA3):c.1162G>A (p.Gly388Arg)

Gene: ADGRA3 (adhesion G protein-coupled receptor A3; minus strand). Cytogenetic location: 4p15.2.
Variant type: single nucleotide variant.
Coding change: c.1162G>A on transcript NM_145290.4 (MANE Select); coding-DNA position 1162, G replaced by A.
Protein change: p.Gly388Arg; replaces glycine 388 with arginine.
Molecular consequence: missense variant.
Genome position (GRCh38, 1-based): chr4:22,436,565, C>T on the plus strand (G>A on the coding strand, the complement: ADGRA3 is on the minus strand). VCF-style: chr4-22436565-C-T. GRCh37 (hg19) VCF-style: chr4-22438188-C-T.
Other names: c.1162G>A (NM_145290.2); short protein forms G388R.
Identifiers: ClinVar variation 962692 (VCV000962692.10), dbSNP rs142865840, ClinGen allele CA2874020.

ClinVar aggregate classification (germline): Uncertain significance. Review status: criteria provided, multiple submitters, no conflicts (2 of 4 stars). 2 submissions from 2 submitters: Uncertain significance (2). Last evaluated 2025-11-23.

Allele frequency attached by ClinVar (database versions not stated): gnomAD exomes 0.00005 and 0.00008; ExAC 0.00010; 1000 Genomes Project 0.00020; ESP Exome Variant Server 0.00023; TOPMed 0.00024; gnomAD 0.00025; 1000 Genomes Project 30x 0.00031.
gnomAD v4.1: 109 of 1,614,020 alleles (0.0068%); highest among the groups gnomAD compares: African/African-American, 0.075%; no homozygotes.

Submissions (2):

Labcorp Genetics (formerly Invitae), Labcorp
Classification: Uncertain significance. Last evaluated: 2025-11-23. Review status: criteria provided, single submitter. Criteria: Invitae Variant Classification Sherloc (09022015). Collection method: clinical testing. Allele origin: germline.
Comment: This sequence change replaces glycine, which is neutral and non-polar, with arginine, which is basic and polar, at codon 388 of the ADGRA3 protein (p.Gly388Arg). This variant is present in population databases (rs142865840, gnomAD 0.1%), and has an allele count higher than expected for a pathogenic variant. This variant has not been reported in the literature in individuals affected with ADGRA3-related conditions. ClinVar contains an entry for this variant (Variation ID: 962692). An algorithm developed to predict the effect of missense changes on protein structure and function (PolyPhen-2) suggests that this variant is likely to be disruptive. In summary, the available evidence is currently insufficient to determine the role of this variant in disease. Therefore, it has been classified as a Variant of Uncertain Significance.

Ambry Genetics
Classification: Uncertain significance. Last evaluated: 2025-03-22. Review status: criteria provided, single submitter. Criteria: Ambry Variant Classification Scheme 2023. Collection method: clinical testing. Allele origin: germline.